The following is an entry in ClinVar:

NM_000303.3(PMM2):c.*534G>A

Gene: PMM2 (phosphomannomutase 2; plus strand). Cytogenetic location: 16p13.2.
Variant type: single nucleotide variant.
Coding change: c.*534G>A on transcript NM_000303.3 (MANE Select); 534 bases downstream of the stop codon, G replaced by A.
Molecular consequence: 3 prime UTR variant.
Genome position (GRCh38, 1-based): chr16:8,848,359, G>A. VCF-style: chr16-8848359-G-A. GRCh37 (hg19) VCF-style: chr16-8942216-G-A.
Identifiers: ClinVar variation 321242 (VCV000321242.5), dbSNP rs2447929, ClinGen allele CA10649253.

ClinVar aggregate classification (germline): Likely benign (1 of 4 stars; one submission).

Conditions:
PMM2-congenital disorder of glycosylation. Also called: CDG Ia; JAEKEN SYNDROME; PHOSPHOMANNOMUTASE 2 DEFICIENCY; Congenital disorder of glycosylation, type Ia; CARBOHYDRATE-DEFICIENT GLYCOPROTEIN SYNDROME, TYPE Ia; PMM2-CDG. Identifiers: Orphanet 79318, MedGen C0349653, MONDO:0008907, OMIM 212065.

Allele frequency attached by ClinVar (database versions not stated): gnomAD exomes 0.00209; gnomAD 0.01634 and 0.01770; TOPMed 0.01856; 1000 Genomes Project 0.01697; 1000 Genomes Project 30x 0.01796.
gnomAD v4.1: 2,544 of 187,646 alleles (1.4%); highest among the groups gnomAD compares: African/African-American, 5.6%; 70 homozygotes.

Submission:

Illumina Laboratory Services, Illumina
Classification: Likely benign for PMM2-congenital disorder of glycosylation. Last evaluated: 2017-04-27. Review status: criteria provided, single submitter. Criteria: ICSL Variant Classification Criteria 13 December 2019. Collection method: clinical testing. Allele origin: germline.
Comment: This variant was observed as part of a predisposition screen in an ostensibly healthy population. A literature search was performed for the gene, cDNA change, and amino acid change (where applicable). No publications were found based on this search. Allele frequency data from public databases allowed determination this variant is unlikely to cause disease. Therefore, this variant is classified as likely benign.